The following is an entry in ClinVar:

NM_000883.4(IMPDH1):c.1075-3C>T

Gene: IMPDH1 (inosine monophosphate dehydrogenase 1; minus strand). Cytogenetic location: 7q32.1.
Variant type: single nucleotide variant.
Coding change: c.1075-3C>T on transcript NM_000883.4 (MANE Select); 3 bases into the intron before coding-DNA position 1075, C replaced by T.
Molecular consequence: intron variant.
Genome position (GRCh38, 1-based): chr7:128,397,025, G>A on the plus strand (C>T on the coding strand, the complement: IMPDH1 is on the minus strand). VCF-style: chr7-128397025-G-A. GRCh37 (hg19) VCF-style: chr7-128037079-G-A.
Other names: c.868-3C>T (NM_001304521.2); c.967-3C>T (NM_183243.3); c.1045-3C>T (NM_001102605.2); c.976-3C>T (NM_001142576.2); c.745-3C>T (NM_001142575.2); c.805-3C>T (NM_001142574.2); c.820-3C>T (NM_001142573.2).
Identifiers: ClinVar variation 912009 (VCV000912009.5), dbSNP rs1797968829, ClinGen allele CA1139660270.

ClinVar aggregate classification (germline): Uncertain significance. Review status: criteria provided, multiple submitters, no conflicts (2 of 4 stars). 3 submissions from 2 submitters: Uncertain significance (3). Last evaluated 2026-01-12.

Conditions:
Retinitis pigmentosa (RP). Identifiers: Orphanet 791, MedGen C0035334, MeSH D012174, MONDO:0019200, OMIM 268000. Inheritance: Autosomal dominant, autosomal recessive and X linked inheritance.
Leber congenital amaurosis 11 (LCA11). Identifiers: Orphanet 65, MedGen C1840284, MONDO:0013454, OMIM 613837.

gnomAD v4.1: 3 of 1,610,734 alleles (0.00019%); highest among the groups gnomAD compares: Middle Eastern, 0.033%; no homozygotes.

Submissions (3):

Labcorp Genetics (formerly Invitae), Labcorp
Classification: Uncertain significance. Last evaluated: 2026-01-12. Review status: criteria provided, single submitter. Criteria: Invitae Variant Classification Sherloc (09022015). Collection method: clinical testing. Allele origin: germline.
Comment: This sequence change falls in intron 10 of the IMPDH1 gene. It does not directly change the encoded amino acid sequence of the IMPDH1 protein. It affects a nucleotide within the consensus splice site. This variant is not present in population databases (gnomAD no frequency). This variant has not been reported in the literature in individuals affected with IMPDH1-related conditions. ClinVar contains an entry for this variant (Variation ID: 912009). Variants that disrupt the consensus splice site are a relatively common cause of aberrant splicing (PMID: 17576681, 9536098). Algorithms developed to predict the effect of sequence changes on RNA splicing suggest that this variant is not likely to affect RNA splicing. In summary, the available evidence is currently insufficient to determine the role of this variant in disease. Therefore, it has been classified as a Variant of Uncertain Significance.

Illumina Laboratory Services, Illumina
Classification: Uncertain significance for Leber congenital amaurosis 11. Last evaluated: 2018-01-12. Review status: criteria provided, single submitter. Criteria: ICSL Variant Classification Criteria 13 December 2019. Collection method: clinical testing. Allele origin: germline.

Illumina Laboratory Services, Illumina
Classification: Uncertain significance for Retinitis pigmentosa. Last evaluated: 2018-01-12. Review status: criteria provided, single submitter. Criteria: ICSL Variant Classification Criteria 13 December 2019. Collection method: clinical testing. Allele origin: germline.

Literature cited by the submitters: PubMed 17576681 (cited by Labcorp Genetics (formerly Invitae), Labcorp); PubMed 9536098 (cited by Labcorp Genetics (formerly Invitae), Labcorp).